The following is an entry in ClinVar:

NC_000008.11:g.(?_118110065)_(118111066_?)dup

Gene: EXT1 (exostosin glycosyltransferase 1; minus strand). Cytogenetic location: 8q24.11.
Variant type: Duplication.
Identifiers: ClinVar variation 832103 (VCV000832103.1).

ClinVar aggregate classification (germline): Uncertain significance (1 of 4 stars; one submission).

Conditions:
Multiple congenital exostosis (EXT). Also called: Hereditary multiple exostoses; Hereditary multiple exostosis; Hereditary multiple osteochondromas; MULTIPLE CARTILAGINOUS EXOSTOSES; Multiple exostoses; Multiple osteochondromas. Identifiers: Orphanet 321, MedGen C0015306, MONDO:0005508, HP:0002762.

Submission:

Labcorp Genetics (formerly Invitae), Labcorp
Classification: Uncertain significance for Multiple congenital exostosis. Last evaluated: 2019-09-12. Review status: criteria provided, single submitter. Criteria: Invitae Variant Classification Sherloc (09022015). Collection method: clinical testing. Allele origin: germline.
Comment: This variant results in a copy number gain of the genomic region encompassing exon 1 of the EXT1 gene, which includes the initiator codon. The 5' end of this event is unknown as it extends beyond the assayed region for this gene and therefore may encompass additional genes. The 3' boundary is likely confined to intron 1 of the EXT1 gene. As the precise location of this event is unknown, it may be in tandem or it may be located elsewhere in the genome. This variant has not been reported in the literature in individuals with EXT1-related conditions. In summary, the available evidence is currently insufficient to determine the role of this variant in disease. Therefore, it has been classified as a Variant of Uncertain Significance.